The following is an entry in ClinVar:

ClinVar aggregate classification (germline): Uncertain significance (1 of 4 stars; one submission).

Conditions:
Epidermolysis bullosa simplex with nail dystrophy (EBS5D). Identifiers: MedGen C4225309, MONDO:0014661, OMIM 616487.
Epidermolysis bullosa simplex, Ogna type (EBS5A). Also called: EPIDERMOLYSIS BULLOSA SIMPLEX 5A, OGNA TYPE; Pidermolysis bullosa simplex 5A, Ogna type. Identifiers: Orphanet 79401, MedGen C0432317, MONDO:0007555, OMIM 131950.
Autosomal recessive limb-girdle muscular dystrophy type 2Q (LGMDR17). Also called: MUSCULAR DYSTROPHY, LIMB-GIRDLE, AUTOSOMAL RECESSIVE 17. Identifiers: Orphanet 254361, MedGen C3150989, MONDO:0013390, OMIM 613723.
Epidermolysis bullosa simplex 5B, with muscular dystrophy (EBS5B). Also called: EPIDERMOLYSIS BULLOSA SIMPLEX AND LIMB-GIRDLE MUSCULAR DYSTROPHY; Epidermolysis bullosa simplex with muscular dystrophy. Identifiers: Orphanet 257, MedGen C2931072, MONDO:0009181, OMIM 226670.
Epidermolysis bullosa simplex 5C, with pyloric atresia (EBS5C). Also called: PLEC1-Related Epidermolysis Bullosa with Pyloric Atresia; PLEC-Related Epidermolysis Bullosa with Pyloric Atresia; Epidermolysis bullosa simplex with pyloric atresia. Identifiers: Orphanet 158684, MedGen C2677349, MONDO:0012807, OMIM 612138.

gnomAD v4.1: 1 of 1,612,194 alleles (0.000062%); highest among the groups gnomAD compares: Admixed American, 0.0017%; no homozygotes.

Submission:

Labcorp Genetics (formerly Invitae), Labcorp
Classification: Uncertain significance for Autosomal recessive limb-girdle muscular dystrophy type 2Q; Epidermolysis bullosa simplex, Ogna type; Epidermolysis bullosa simplex with nail dystrophy; Epidermolysis bullosa simplex 5C, with pyloric atresia; Epidermolysis bullosa simplex 5B, with muscular dystrophy. Last evaluated: 2024-03-04. Review status: criteria provided, single submitter. Criteria: Invitae Variant Classification Sherloc (09022015). Collection method: clinical testing. Allele origin: germline.
Comment: This sequence change replaces glutamic acid, which is acidic and polar, with valine, which is neutral and non-polar, at codon 691 of the PLEC protein (p.Glu691Val). This variant is present in population databases (no rsID available, gnomAD 0.003%). This variant has not been reported in the literature in individuals affected with PLEC-related conditions. Advanced modeling of protein sequence and biophysical properties (such as structural, functional, and spatial information, amino acid conservation, physicochemical variation, residue mobility, and thermodynamic stability) has been performed at Invitae for this missense variant, however the output from this modeling did not meet the statistical confidence thresholds required to predict the impact of this variant on PLEC protein function. In summary, the available evidence is currently insufficient to determine the role of this variant in disease. Therefore, it has been classified as a Variant of Uncertain Significance.

NM_201384.3(PLEC):c.1991A>T (p.Glu664Val)

Gene: PLEC (plectin; minus strand). Cytogenetic location: 8q24.3.
Variant type: single nucleotide variant.
Coding change: c.1991A>T on transcript NM_201384.3 (MANE Select); coding-DNA position 1991, A replaced by T.
Protein change: p.Glu664Val; replaces glutamic acid 664 with valine.
Molecular consequence: missense variant.
Genome position (GRCh38, 1-based): chr8:143,932,221, T>A on the plus strand (A>T on the coding strand, the complement: PLEC is on the minus strand). VCF-style: chr8-143932221-T-A. GRCh37 (hg19) VCF-style: chr8-145006389-T-A.
Other names: c.2072A>T, p.Glu691Val (NM_000445.5, NM_001410941.1); c.1949A>T, p.Glu650Val (NM_201378.4); c.1925A>T, p.Glu642Val (NM_201379.3); c.2402A>T, p.Glu801Val (NM_201380.4); c.1895A>T, p.Glu632Val (NM_201381.3); c.1991A>T, p.Glu664Val (NM_201382.4); c.2003A>T, p.Glu668Val (NM_201383.3); short protein forms E632V, E642V, E650V, E664V, E668V, E691V, E801V.
Identifiers: ClinVar variation 3762218 (VCV003762218.2).
Genomic context (GRCh38, chr8:143,932,221, plus strand): 5'-CGCAGCAGCCGGTCCCCAGCATTTTGGAGCTCCTTGATCTTCTTCTCCTTCAGCTCCAGC[T>A]CCCGCATCAGCGCCTGGCACCAGAGCAAAGGGTCTCAGGGACGGCCGGCCACACCCGGCT-3'
Protein context (NP_958786.1, residues 654-674): KKESYSALMR[Glu664Val]LELKEKKIKE